The following is an entry in ClinVar:

ClinVar aggregate classification (germline): Pathogenic (1 of 4 stars; one submission).

Conditions:
Methylcobalamin deficiency type cblG (HMAG). Also called: HOMOCYSTINURIA-MEGALOBLASTIC ANEMIA, cblG COMPLEMENTATION TYPE; HOMOCYSTINURIA-MEGALOBLASTIC ANEMIA DUE TO DEFECT IN COBALAMIN METABOLISM, cblG COMPLEMENTATION TYPE; HOMOCYSTINURIA-MEGALOBLASTIC ANEMIA, cblG TYPE; Functional methionine synthase deficiency type cblG. Identifiers: Orphanet 2170, Orphanet 622, MedGen C1855128, MONDO:0009609, OMIM 250940.

Submission:

Labcorp Genetics (formerly Invitae), Labcorp
Classification: Pathogenic for Methylcobalamin deficiency type cblG. Last evaluated: 2023-02-09. Review status: criteria provided, single submitter. Criteria: Invitae Variant Classification Sherloc (09022015). Collection method: clinical testing. Allele origin: germline.
Comment: This sequence change creates a premature translational stop signal (p.Glu689*) in the MTR gene. It is expected to result in an absent or disrupted protein product. Loss-of-function variants in MTR are known to be pathogenic (PMID: 9683607, 12068375). This variant is not present in population databases (gnomAD no frequency). This variant has not been reported in the literature in individuals affected with MTR-related conditions. For these reasons, this variant has been classified as Pathogenic.

Literature cited by the submitters: PubMed 9683607; PubMed 12068375.

NM_000254.3(MTR):c.2064dup (p.Glu689Ter)

Gene: MTR (5-methyltetrahydrofolate-homocysteine methyltransferase; plus strand). Cytogenetic location: 1q43.
Variant type: Duplication.
Coding change: c.2064dup on transcript NM_000254.3 (MANE Select); coding-DNA position 2064, one base duplicated (T; older notation c.2064dupT).
Protein change: p.Glu689Ter; replaces glutamic acid 689 with a stop codon.
Molecular consequence: nonsense. On other transcripts: intron variant (1).
Genome position (GRCh38, 1-based): chr1:236,861,145, T duplicated; the last of 2 consecutive T bases (chr1:236,861,144-236,861,145); duplicating either gives the same sequence. VCF-style (leftmost placement, unchanged base first): chr1-236861143-A-AT. GRCh37 (hg19) VCF-style: chr1-237024443-A-AT.
Other names: c.843dup, p.Glu282Ter (NM_001291940.2); c.2064dup, p.Glu689Ter (NM_001410942.1); c.2044-1091dup (NM_001291939.1); short protein forms E282*, E689*.
Identifiers: ClinVar variation 2835785 (VCV002835785.3), dbSNP rs2528240695, ClinGen allele CA2739274016.